The following is an entry in ClinVar:

NM_005591.4(MRE11):c.1994+1G>C

Gene: MRE11 (MRE11 double strand break repair nuclease; minus strand). Cytogenetic location: 11q21.
Variant type: single nucleotide variant.
Coding change: c.1994+1G>C on transcript NM_005591.4 (MANE Select); the canonical splice donor site of the intron after coding-DNA position 1994, G replaced by C.
Molecular consequence: splice donor variant.
Genome position (GRCh38, 1-based): chr11:94,435,831, C>G on the plus strand (G>C on the coding strand, the complement: MRE11 is on the minus strand). VCF-style: chr11-94435831-C-G. GRCh37 (hg19) VCF-style: chr11-94168997-C-G.
Other names: c.1991+1G>C (NM_001330347.2); c.1910+1G>C (NM_005590.4).
Identifiers: ClinVar variation 1800216 (VCV001800216.2), dbSNP rs2496208006, ClinGen allele CA382374010.
Genomic context (GRCh38, chr11:94,435,831, plus strand): 5'-AATTCTGGATAATTTTTAATTTTTTTCAGATGTTTCTTTTGCAGAAAATCACTGCACCTA[C>G]CTTTGATCTGTCTTTGAAGTGGTAGGAAAAATGTCTTCTTCCACATCTGATTCATCTACC-3'

ClinVar aggregate classification (germline): Likely pathogenic (1 of 4 stars; one submission).

Conditions:
Hereditary cancer-predisposing syndrome. Also called: Neoplastic Syndromes, Hereditary; Tumor predisposition; Hereditary Cancer Syndrome; Hereditary neoplastic syndrome. Identifiers: Orphanet 140162, MedGen C0027672, MeSH D009386, MONDO:0015356.

Submission:

Ambry Genetics
Classification: Likely pathogenic for Hereditary cancer-predisposing syndrome. Last evaluated: 2020-04-02. Review status: criteria provided, single submitter. Criteria: Ambry Variant Classification Scheme 2023. Collection method: clinical testing. Allele origin: germline.
Comment: The c.1994+1G>C intronic variant results from a G to C substitution one nucleotide after coding exon 17 of the MRE11A gene. This nucleotide position is highly conserved in available vertebrate species. Using the BDGP and ESEfinder splice site prediction tools, this alteration is predicted to abolish the native splice donor site; however, direct evidence is unavailable. Alterations that disrupt the canonical splice site are expected to cause aberrant splicing, resulting in an abnormal protein or a transcript that is subject to nonsense-mediated mRNA decay. As such, this alteration is classified as likely pathogenic.